The following is an entry in ClinVar:

ClinVar aggregate classification (germline): Uncertain significance. Review status: reviewed by expert panel (3 of 4 stars). 2 submissions from 2 submitters: Uncertain significance (1). 1 of the submissions does not count toward it. Last evaluated 2026-01-08.

Conditions:
Autosomal recessive limb-girdle muscular dystrophy. Identifiers: Orphanet 102015, MedGen C2931907, MONDO:0015152.

Submissions (2):

ClinGen Limb Girdle Muscular Dystrophy Variant Curation Expert Panel, ClinGen
Classification: Uncertain significance for Autosomal recessive limb-girdle muscular dystrophy. Last evaluated: 2026-01-08. Review status: reviewed by expert panel. Criteria: ClinGen LGMD VCEP ACMG Specifications DYSF V2.0.0. Collection method: curation. Allele origin: germline. Inheritance: Autosomal recessive inheritance.
Comment: The NM_003494.4: c.5342G>T variant in DYSF, which is also known as NM_001130987.2: c.5459G>T p.(Gly1820Val), is a missense variant predicted to cause substitution of glycine to valine at amino acid 1781, p.(Gly1781Val). This variant has been observed in an individual with suspected LGMD, where it was identified in unconfirmed phase with a second variant of uncertain significance (NM_003494.4: c.6216del p.(Met2073Ter), 0 pts, ClinVar SCV003831268.2, internal data communication) (PM3 not met; PP4). This variant is absent from gnomAD v4.1.0 (PM2_Supporting). The computational predictor REVEL gives a score of 0.89, which is above the LGMD VCEP threshold of ≥0.70, evidence that correlates with impact to DYSF function (PP3). In addition, another missense variant at the same codon, NM_003494.4: c.5341G>A p.(Gly1781Arg), has been classified as likely pathogenic by the ClinGen LGMD VCEP (PM5_Supporting). In summary, due to insufficient evidence, this variant is classified as a variant of uncertain significance for autosomal recessive limb-girdle muscular dystrophy based on the ACMG/AMP criteria applied, as specified by the ClinGen LGMD VCEP (specifications version 2.0.0; 01/08/2026): PM2_Supporting, PP3, PP4, PM5_Supporting.

Revvity Omics, Revvity
Classification: Uncertain significance. Last evaluated: 2022-05-06. Review status: criteria provided, single submitter. Criteria: ACMG Guidelines, 2015. Collection method: clinical testing. Allele origin: germline. Not counted in ClinVar's aggregate classification.

NM_001130987.2(DYSF):c.5459G>T (p.Gly1820Val)

Gene: DYSF (dysferlin; plus strand). Cytogenetic location: 2p13.2.
Variant type: single nucleotide variant.
Coding change: c.5459G>T on transcript NM_001130987.2 (MANE Select); coding-DNA position 5459, G replaced by T.
Protein change: p.Gly1820Val; replaces glycine 1820 with valine.
Molecular consequence: missense variant.
Genome position (GRCh38, 1-based): chr2:71,668,755, G>T. VCF-style: chr2-71668755-G-T. GRCh37 (hg19) VCF-style: chr2-71895885-G-T.
Other names: NM_001130987.2(DYSF):c.5459G>T; p.Gly1820Val; c.5345G>T, p.Gly1782Val (NM_001130455.2); c.5300G>T, p.Gly1767Val (NM_001130976.2); c.5363G>T, p.Gly1788Val (NM_001130977.2); c.5405G>T, p.Gly1802Val (NM_001130978.2); c.5435G>T, p.Gly1812Val (NM_001130979.2); c.5393G>T, p.Gly1798Val (NM_001130980.2); and 7 more; short protein forms G1767V, G1768V, G1781V, G1782V, G1788V, G1789V, G1798V, G1799V.
Identifiers: ClinVar variation 2441135 (VCV002441135.4), dbSNP rs886042341, ClinGen allele CA347221664.